The following is an entry in ClinVar:

NM_000541.5(SAG):c.421C>A (p.Gln141Lys)

Gene: SAG (S-antigen visual arrestin; plus strand). Cytogenetic location: 2q37.1.
Variant type: single nucleotide variant.
Coding change: c.421C>A on transcript NM_000541.5 (MANE Select); coding-DNA position 421, C replaced by A.
Protein change: p.Gln141Lys; replaces glutamine 141 with lysine.
Molecular consequence: missense variant.
Genome position (GRCh38, 1-based): chr2:233,322,991, C>A. VCF-style: chr2-233322991-C-A. GRCh37 (hg19) VCF-style: chr2-234231637-C-A.
Other names: short protein forms Q141K.
Identifiers: ClinVar variation 3671369 (VCV003671369.2).

ClinVar aggregate classification (germline): Uncertain significance (1 of 4 stars; one submission).

Submission:

Labcorp Genetics (formerly Invitae), Labcorp
Classification: Uncertain significance. Last evaluated: 2024-09-30. Review status: criteria provided, single submitter. Criteria: Invitae Variant Classification Sherloc (09022015). Collection method: clinical testing. Allele origin: germline.
Comment: This sequence change replaces glutamine, which is neutral and polar, with lysine, which is basic and polar, at codon 141 of the SAG protein (p.Gln141Lys). This variant is not present in population databases (gnomAD no frequency). This variant has not been reported in the literature in individuals affected with SAG-related conditions. Invitae Evidence Modeling of protein sequence and biophysical properties (such as structural, functional, and spatial information, amino acid conservation, physicochemical variation, residue mobility, and thermodynamic stability) indicates that this missense variant is not expected to disrupt SAG protein function with a negative predictive value of 80%. In summary, the available evidence is currently insufficient to determine the role of this variant in disease. Therefore, it has been classified as a Variant of Uncertain Significance.